The following is an entry in ClinVar:

NM_207361.6(FREM2):c.3419A>G (p.Asp1140Gly)

Gene: FREM2 (FRAS1 related extracellular matrix 2; plus strand). Cytogenetic location: 13q13.3.
Variant type: single nucleotide variant.
Coding change: c.3419A>G on transcript NM_207361.6 (MANE Select); coding-DNA position 3419, A replaced by G.
Protein change: p.Asp1140Gly; replaces aspartic acid 1140 with glycine.
Molecular consequence: missense variant.
Genome position (GRCh38, 1-based): chr13:38,690,763, A>G. VCF-style: chr13-38690763-A-G. GRCh37 (hg19) VCF-style: chr13-39264900-A-G.
Other names: c.3419A>G (NM_207361.5); short protein forms D1140G.
Identifiers: ClinVar variation 1710015 (VCV001710015.3), dbSNP rs781204652, ClinGen allele CA6954794.

ClinVar aggregate classification (germline): Uncertain significance. Review status: criteria provided, multiple submitters, no conflicts (2 of 4 stars). 2 submissions from 2 submitters: Uncertain significance (2). Last evaluated 2025-12-23.

Conditions:
FREM2-related disorder. Also called: FREM2-related condition.
Isolated cryptophthalmia. Also called: ANKYLOBLEPHARON, SIMPLE; Cryptophthalmos, unilateral or bilateral, isolated. Identifiers: Orphanet 91396, MedGen C1852453, MONDO:0007410, OMIM 123570.

Allele frequency attached by ClinVar (database versions not stated): gnomAD exomes below 0.00001; ExAC 0.00001.
gnomAD v4.1: 2 of 1,614,182 alleles (0.00012%); highest among the groups gnomAD compares: Non-Finnish European, 0.00017%; no homozygotes.

Submissions (2):

PreventionGenetics, part of Exact Sciences
Classification: Uncertain significance for FREM2-related condition. Last evaluated: 2025-12-23. Review status: criteria provided, single submitter. Criteria: ACMG Guidelines, 2015. Collection method: clinical testing. Allele origin: germline.
Comment: The FREM2 c.3419A>G variant is predicted to result in the amino acid substitution p.Asp1140Gly. To our knowledge, this variant has not been reported in the literature. This variant is reported in 0.00088% of alleles in individuals of European (Non-Finnish) descent in gnomAD. At this time, the clinical significance of this variant is uncertain due to the absence of conclusive functional and genetic evidence.

MGZ Medical Genetics Center
Classification: Uncertain significance for Isolated cryptophthalmia. Last evaluated: 2021-10-12. Review status: criteria provided, single submitter. Criteria: ACMG Guidelines, 2015. Collection method: clinical testing. Allele origin: germline. Affected: yes. Observed: 1 variant allele.
Comment: ACMG criteria applied: PM2_SUP, PP3